The following is an entry in ClinVar:

NM_017654.4(SAMD9):c.1903A>G (p.Ile635Val)

Gene: SAMD9 (sterile alpha motif domain containing 9; minus strand). Cytogenetic location: 7q21.2.
Variant type: single nucleotide variant.
Coding change: c.1903A>G on transcript NM_017654.4 (MANE Select); coding-DNA position 1903, A replaced by G.
Protein change: p.Ile635Val; replaces isoleucine 635 with valine.
Molecular consequence: missense variant.
Genome position (GRCh38, 1-based): chr7:93,104,195, T>C on the plus strand (A>G on the coding strand, the complement: SAMD9 is on the minus strand). VCF-style: chr7-93104195-T-C. GRCh37 (hg19) VCF-style: chr7-92733508-T-C.
Other names: c.1903A>G (NM_017654.3); c.1903A>G, p.Ile635Val (NM_001193307.2); short protein forms I635V.
Identifiers: ClinVar variation 3680654 (VCV003680654.3).
Genomic context (GRCh38, chr7:93,104,195, plus strand): 5'-TAATTTCCAGAGCAGTCATGATATCTTCTTCCTTTTTCAGAAGGACAGTCGATAAACCAA[T>C]AGATGGCAAAAGCCTTTTTGAAGATTGAGTCACAGATTTTAGTTTAAGAATAGTGCCATT-3'
Protein context (NP_060124.2, residues 625-645): TQSSKRLLPS[Ile635Val]GLSTVLLKKE

ClinVar aggregate classification (germline): Uncertain significance. Review status: criteria provided, multiple submitters, no conflicts (2 of 4 stars). 2 submissions from 2 submitters: Uncertain significance (2). Last evaluated 2025-09-23.

Conditions:
Inborn genetic diseases. Identifiers: MedGen C0950123, MeSH D030342.

Submissions (2):

Labcorp Genetics (formerly Invitae), Labcorp
Classification: Uncertain significance. Last evaluated: 2025-09-23. Review status: criteria provided, single submitter. Criteria: Invitae Variant Classification Sherloc (09022015). Collection method: clinical testing. Allele origin: germline.
Comment: This sequence change replaces isoleucine, which is neutral and non-polar, with valine, which is neutral and non-polar, at codon 635 of the SAMD9 protein (p.Ile635Val). This variant is present in population databases (rs750094300, gnomAD 0.006%). This variant has not been reported in the literature in individuals affected with SAMD9-related conditions. ClinVar contains an entry for this variant (Variation ID: 3680654). Invitae Evidence Modeling of protein sequence and biophysical properties (such as structural, functional, and spatial information, amino acid conservation, physicochemical variation, residue mobility, and thermodynamic stability) indicates that this missense variant is not expected to disrupt SAMD9 protein function with a negative predictive value of 95%. In summary, the available evidence is currently insufficient to determine the role of this variant in disease. Therefore, it has been classified as a Variant of Uncertain Significance.

Ambry Genetics
Classification: Uncertain significance for Inborn genetic diseases. Last evaluated: 2025-02-26. Review status: criteria provided, single submitter. Criteria: Ambry Variant Classification Scheme 2023. Collection method: clinical testing. Allele origin: germline.
Comment: The p.I635V variant (also known as c.1903A>G), located in coding exon 1 of the SAMD9 gene, results from an A to G substitution at nucleotide position 1903. The isoleucine at codon 635 is replaced by valine, an amino acid with highly similar properties. This amino acid position is conserved. In addition, this alteration is predicted to be tolerated by in silico analysis. Based on the available evidence, the clinical significance of this variant remains unclear.